The following is an entry in ClinVar:

ClinVar aggregate classification (germline): Benign/Likely benign. Review status: criteria provided, multiple submitters, no conflicts (2 of 4 stars). 9 submissions from 7 submitters: Benign (8); Likely benign (1). Last evaluated 2026-02-04.

Conditions:
Schwartz-Jampel syndrome. Also called: Myotonic myopathy dwarfism chondrodystrophy and ocular and facial abnormalities. Identifiers: Orphanet 800, MedGen C0036391, MONDO:0009717.
Connective tissue disorder. Also called: Connective tissue disease. Identifiers: MedGen C0009782, MONDO:0003900.
Lethal Kniest-like syndrome (DDSH). Also called: Dyssegmental Dysplasia. Identifiers: Orphanet 1865, MedGen C1857100, MONDO:0009140, OMIM 224410.

Allele frequency attached by ClinVar (database versions not stated): 1000 Genomes Project 30x 0.03217; 1000 Genomes Project 0.03474; TOPMed 0.03642; gnomAD 0.03832 and 0.04031; ESP Exome Variant Server 0.04090; gnomAD exomes 0.04918; ExAC 0.05051.
gnomAD v4.1: 91,173 of 1,613,738 alleles (5.6%); highest among the groups gnomAD compares: South Asian, 11%; 3,081 homozygotes.

Submissions (9):

Labcorp Genetics (formerly Invitae), Labcorp
Classification: Benign. Last evaluated: 2026-02-04. Review status: criteria provided, single submitter. Criteria: Invitae Variant Classification Sherloc (09022015). Collection method: clinical testing. Allele origin: germline.

Blueprint Genetics
Classification: Likely benign. Last evaluated: 2024-11-26. Review status: criteria provided, single submitter. Criteria: ACMG Guidelines, 2015. Collection method: clinical testing. Allele origin: germline.

Genome Diagnostics Laboratory, The Hospital for Sick Children
Classification: Benign for Connective tissue disorder. Last evaluated: 2022-06-03. Review status: criteria provided, single submitter. Criteria: ACMG Guidelines, 2015. Collection method: clinical testing. Allele origin: germline.

Genome-Nilou Lab
Classification: Benign for Lethal Kniest-like syndrome. Last evaluated: 2021-08-10. Review status: criteria provided, single submitter. Criteria: ACMG Guidelines, 2015. Collection method: clinical testing. Allele origin: germline. Affected: no.

Genome-Nilou Lab
Classification: Benign for Schwartz-Jampel syndrome type 1. Last evaluated: 2021-08-10. Review status: criteria provided, single submitter. Criteria: ACMG Guidelines, 2015. Collection method: clinical testing. Allele origin: germline. Affected: no.

GeneDx
Classification: Benign. Last evaluated: 2018-08-25. Review status: criteria provided, single submitter. Criteria: GeneDx Variant Classification Process June 2021. Collection method: clinical testing. Allele origin: germline. Affected: yes.

Illumina Laboratory Services, Illumina
Classification: Benign for Lethal Kniest-like syndrome. Last evaluated: 2018-01-12. Review status: criteria provided, single submitter. Criteria: ICSL Variant Classification Criteria 13 December 2019. Collection method: clinical testing. Allele origin: germline.
Comment: This variant was observed in the ICSL laboratory as part of a predisposition screen in an ostensibly healthy population. It had not been previously curated by ICSL or reported in the Human Gene Mutation Database (HGMD: prior to June 1st, 2018), and was therefore a candidate for classification through an automated scoring system. Utilizing variant allele frequency, disease prevalence and penetrance estimates, and inheritance mode, an automated score was calculated to assess if this variant is too frequent to cause the disease. Based on the score and internal cut-off values, a variant classified as benign is not then subjected to further curation. The score for this variant resulted in a classification of benign for this disease.

Illumina Laboratory Services, Illumina
Classification: Benign for Schwartz-Jampel syndrome type 1. Last evaluated: 2018-01-12. Review status: criteria provided, single submitter. Criteria: ICSL Variant Classification Criteria 13 December 2019. Collection method: clinical testing. Allele origin: germline.
Comment: the same text as in the submission from Illumina Laboratory Services, Illumina above.

Breakthrough Genomics
Classification: Benign. Review status: criteria provided, single submitter. Criteria: ACMG Guidelines, 2015. Collection method: not provided. Allele origin: germline. Inheritance: Autosomal recessive inheritance. Affected: yes.

NM_005529.7(HSPG2):c.8026-5T>C

Gene: HSPG2 (heparan sulfate proteoglycan 2; minus strand). Cytogenetic location: 1p36.12.
Variant type: single nucleotide variant.
Coding change: c.8026-5T>C on transcript NM_005529.7 (MANE Select); 5 bases into the intron before coding-DNA position 8026, T replaced by C.
Molecular consequence: intron variant.
Genome position (GRCh38, 1-based): chr1:21,847,497, A>G on the plus strand (T>C on the coding strand, the complement: HSPG2 is on the minus strand). VCF-style: chr1-21847497-A-G. GRCh37 (hg19) VCF-style: chr1-22173990-A-G.
Other names: c.8029-5T>C (NM_001291860.2); c.8026-5T>C (NM_005529.6).
Identifiers: ClinVar variation 295781 (VCV000295781.22), dbSNP rs35917892, ClinGen allele CA670945.
Genomic context (GRCh38, chr1:21,847,497, plus strand): 5'-TACTCGCCCGAGTCAGCCACAGACATTTGGTGCAACCGCAGGTGGGAGCCATGGGTCTGG[A>G]CGTGCGGATGGGGAAGGAGAGGGAGAGGGAGTGGAGGGACGCTGGGGTCACCAGCTGGCT-3'